The following is an entry in ClinVar:

ClinVar aggregate classification (germline): Uncertain significance. Review status: criteria provided, multiple submitters, no conflicts (2 of 4 stars). 3 submissions from 3 submitters: Uncertain significance (3). Last evaluated 2025-01-05.

Conditions:
Inborn genetic diseases. Identifiers: MedGen C0950123, MeSH D030342.

Submissions (3):

Labcorp Genetics (formerly Invitae), Labcorp
Classification: Uncertain significance. Last evaluated: 2025-01-05. Review status: criteria provided, single submitter. Criteria: Invitae Variant Classification Sherloc (09022015). Collection method: clinical testing. Allele origin: germline.
Comment: This variant, c.4145_4150del, results in the deletion of 2 amino acid(s) of the APC2 protein (p.Pro1382_Ala1383del), but otherwise preserves the integrity of the reading frame. This variant is present in population databases (no rsID available, gnomAD 0.01%). This variant has not been reported in the literature in individuals affected with APC2-related conditions. Experimental studies and prediction algorithms are not available or were not evaluated, and the functional significance of this variant is currently unknown. In summary, the available evidence is currently insufficient to determine the role of this variant in disease. Therefore, it has been classified as a Variant of Uncertain Significance.

Blueprint Genetics
Classification: Uncertain significance. Last evaluated: 2024-07-15. Review status: criteria provided, single submitter. Criteria: ACMG Guidelines, 2015. Collection method: clinical testing. Allele origin: germline.

Ambry Genetics
Classification: Uncertain significance for Inborn genetic diseases. Last evaluated: 2022-07-21. Review status: criteria provided, single submitter. Criteria: Ambry Variant Classification Scheme 2023. Collection method: clinical testing. Allele origin: germline.
Comment: The c.4145_4150delCGGCCC (p.P1382_A1383del) alteration is located in exon 15 (coding exon 14) of the APC2 gene. This alteration consists of an in-frame deletion of 6 nucleotides between nucleotide positions c.4145 and c.4150, resulting in the deletion of 2 residues. Based on insufficient or conflicting evidence, the clinical significance of this alteration remains unclear.

NM_005883.3(APC2):c.4139CGGCCC[1] (p.1378PA[2])

Gene: APC2 (APC regulator of Wnt signaling pathway 2; plus strand). Cytogenetic location: 19p13.3.
Variant type: Microsatellite.
Coding change: c.4139CGGCCC[1] on transcript NM_005883.3 (MANE Select); one copy of the 6-base unit CGGCCC starting at c.4139; the reference has two copies in a row; one copy, 6 bases deleted.
Protein change: p.1378PA[2].
Molecular consequence: inframe deletion.
Genome position (GRCh38, 1-based): chr19:1,467,446-1,467,451, CGGCCC deleted; deleting any 6 consecutive bases within chr19:1,467,436-1,467,451 gives the same sequence; the position shown is the placement nearest the transcript's 3' end. VCF-style (leftmost placement, unchanged base first): chr19-1467435-CGCCCCG-C. GRCh37 (hg19) VCF-style: chr19-1467434-CGCCCCG-C.
Other names: c.4145_4150delCGGCCC (NM_005883.2); c.4136CGGCCC[1], p.1377PA[2] (NM_001351273.1).
Identifiers: ClinVar variation 2139592 (VCV002139592.5), dbSNP rs779635546, ClinGen allele CA304078200.